The following is an entry in ClinVar:

NM_001429.4(EP300):c.2184G>T (p.Arg728=)

Gene: EP300 (EP300 lysine acetyltransferase; plus strand). Cytogenetic location: 22q13.2.
Variant type: single nucleotide variant.
Coding change: c.2184G>T on transcript NM_001429.4 (MANE Select); coding-DNA position 2184, G replaced by T.
Protein change: p.Arg728=; no amino-acid change (arginine 728 retained).
Molecular consequence: synonymous variant.
Genome position (GRCh38, 1-based): chr22:41,147,889, G>T. VCF-style: chr22-41147889-G-T. GRCh37 (hg19) VCF-style: chr22-41543893-G-T.
Other names: c.2106G>T, p.Arg702= (NM_001362843.2); c.2184G>T (NM_001429.3).
Identifiers: ClinVar variation 2080051 (VCV002080051.6), dbSNP rs187938527, ClinGen allele CA10252776.

ClinVar aggregate classification (germline): Likely benign. Review status: criteria provided, single submitter (1 of 4 stars). 2 submissions from 2 submitters: Likely benign (1). 1 of the submissions does not count toward it. Last evaluated 2022-08-19.

Conditions:
Rubinstein-Taybi syndrome due to EP300 haploinsufficiency. Also called: EP300-Related Rubinstein-Taybi Syndrome; RUBINSTEIN-TAYBI SYNDROME 2. Identifiers: Orphanet 353284, Orphanet 783, MedGen C3150941, MONDO:0013364, OMIM 613684.
EP300-related disorder. Also called: EP300-related disorders; EP300-related condition.

Allele frequency attached by ClinVar (database versions not stated): gnomAD 0.00001; TOPMed 0.00003; 1000 Genomes Project 30x 0.00016; 1000 Genomes Project 0.00020.
gnomAD v4.1: 19 of 1,614,012 alleles (0.0012%); highest among the groups gnomAD compares: Admixed American, 0.017%; no homozygotes.

Submissions (2):

Labcorp Genetics (formerly Invitae), Labcorp
Classification: Likely benign for Rubinstein-Taybi syndrome due to EP300 haploinsufficiency. Last evaluated: 2022-08-19. Review status: criteria provided, single submitter. Criteria: Invitae Variant Classification Sherloc (09022015). Collection method: clinical testing. Allele origin: germline.

PreventionGenetics, part of Exact Sciences
Classification: Likely benign for EP300-related condition. Last evaluated: 2021-06-09. Review status: no assertion criteria provided. Collection method: clinical testing. Allele origin: germline. Not counted in ClinVar's aggregate classification.
Comment: This variant is classified as likely benign based on ACMG/AMP sequence variant interpretation guidelines (Richards et al. 2015 PMID: 25741868, with internal and published modifications).